The following is an entry in ClinVar:

ClinVar aggregate classification (germline): Uncertain significance (1 of 4 stars; one submission).

Allele frequency attached by ClinVar (database versions not stated): gnomAD 0.00001.
gnomAD v4.1: 43 of 1,614,016 alleles (0.0027%); highest among the groups gnomAD compares: Non-Finnish European, 0.0036%; no homozygotes.

Submission:

Labcorp Genetics (formerly Invitae), Labcorp
Classification: Uncertain significance. Last evaluated: 2024-10-17. Review status: criteria provided, single submitter. Criteria: Invitae Variant Classification Sherloc (09022015). Collection method: clinical testing. Allele origin: germline.
Comment: This sequence change replaces arginine, which is basic and polar, with lysine, which is basic and polar, at codon 304 of the AIMP2 protein (p.Arg304Lys). This variant is not present in population databases (gnomAD no frequency). This variant has not been reported in the literature in individuals affected with AIMP2-related conditions. ClinVar contains an entry for this variant (Variation ID: 2115046). An algorithm developed to predict the effect of missense changes on protein structure and function outputs the following: PolyPhen-2: "Benign". The lysine amino acid residue is found in multiple mammalian species, which suggests that this missense change does not adversely affect protein function. In summary, the available evidence is currently insufficient to determine the role of this variant in disease. Therefore, it has been classified as a Variant of Uncertain Significance.

NM_006303.4(AIMP2):c.911G>A (p.Arg304Lys)

Genes: AIMP2 (aminoacyl tRNA synthetase complex interacting multifunctional protein 2; plus strand), EIF2AK1 (eukaryotic translation initiation factor 2 alpha kinase 1; minus strand). Cytogenetic location: 7p22.1.
Variant type: single nucleotide variant.
Coding change: c.911G>A on transcript NM_006303.4 (MANE Select); coding-DNA position 911, G replaced by A.
Protein change: p.Arg304Lys; replaces arginine 304 with lysine.
Molecular consequence: missense variant. On other transcripts: 3 prime UTR variant (2).
Genome position (GRCh38, 1-based): chr7:6,023,639, G>A. VCF-style: chr7-6023639-G-A. GRCh37 (hg19) VCF-style: chr7-6063270-G-A.
Other names: c.677G>A, p.Arg226Lys (NM_001326610.2, NM_001326611.3, NM_001326609.2); c.824G>A, p.Arg275Lys (NM_001362785.2); c.779G>A, p.Arg260Lys (NM_001362787.2); c.*1034C>T (NM_001134335.2, NM_014413.4); c.791G>A, p.Arg264Lys (NM_001326606.2); c.704G>A, p.Arg235Lys (NM_001326607.2); short protein forms R226K, R304K, R235K, R260K, R275K, R264K.
Identifiers: ClinVar variation 2115046 (VCV002115046.4), dbSNP rs1450412066, ClinGen allele CA366748359.
Genomic context (GRCh38, chr7:6,023,639, plus strand): 5'-TACTCCAGCAGATCGGAGGCTGCAGTGTGACAGTGCCAGCCAATGTGCAGAGGTGGATGA[G>A]GTCTTGTGAAAACCTGGCTCCTTTTAACACGGCCCTCAAGCTCCTTAAGTGAATTGCCGT-3'
Protein context (NP_006294.2, residues 294-314): TVPANVQRWM[Arg304Lys]SCENLAPFNT